The following is an entry in ClinVar:

NM_000039.3(APOA1):c.779A>G (p.Tyr260Cys)

Gene: APOA1 (apolipoprotein A1; minus strand). Cytogenetic location: 11q23.3.
Variant type: single nucleotide variant.
Coding change: c.779A>G on transcript NM_000039.3 (MANE Select); coding-DNA position 779, A replaced by G.
Protein change: p.Tyr260Cys; replaces tyrosine 260 with cysteine.
Molecular consequence: missense variant.
Genome position (GRCh38, 1-based): chr11:116,835,833, T>C on the plus strand (A>G on the coding strand, the complement: APOA1 is on the minus strand). VCF-style: chr11-116835833-T-C. GRCh37 (hg19) VCF-style: chr11-116706549-T-C.
Other names: c.779A>G, p.Tyr260Cys (NM_001318017.2, NM_001318018.2); c.452A>G, p.Tyr151Cys (NM_001318021.2); short protein forms Y151C, Y260C.
Identifiers: ClinVar variation 1715453 (VCV001715453.6), dbSNP rs2540286902, ClinGen allele CA382713740.

ClinVar aggregate classification (germline): Uncertain significance (1 of 4 stars; one submission).

Allele frequency attached by ClinVar (database versions not stated): gnomAD exomes below 0.00001.

Submission:

Labcorp Genetics (formerly Invitae), Labcorp
Classification: Uncertain significance. Last evaluated: 2022-08-07. Review status: criteria provided, single submitter. Criteria: Invitae Variant Classification Sherloc (09022015). Collection method: clinical testing. Allele origin: germline.
Comment: In summary, the available evidence is currently insufficient to determine the role of this variant in disease. Therefore, it has been classified as a Variant of Uncertain Significance. Algorithms developed to predict the effect of missense changes on protein structure and function are either unavailable or do not agree on the potential impact of this missense change (SIFT: "Not Available"; PolyPhen-2: "Possibly Damaging"; Align-GVGD: "Not Available"). This variant has not been reported in the literature in individuals affected with APOA1-related conditions. This variant is not present in population databases (gnomAD no frequency). This sequence change replaces tyrosine, which is neutral and polar, with cysteine, which is neutral and slightly polar, at codon 260 of the APOA1 protein (p.Tyr260Cys).